The following is an entry in ClinVar:

NM_001042492.3(NF1):c.2134C>T (p.His712Tyr)

Gene: NF1 (neurofibromin 1; plus strand). Cytogenetic location: 17q11.2.
Variant type: single nucleotide variant.
Coding change: c.2134C>T on transcript NM_001042492.3 (MANE Select); coding-DNA position 2134, C replaced by T.
Protein change: p.His712Tyr; replaces histidine 712 with tyrosine.
Molecular consequence: missense variant.
Genome position (GRCh38, 1-based): chr17:31,226,567, C>T. VCF-style: chr17-31226567-C-T. GRCh37 (hg19) VCF-style: chr17-29553585-C-T.
Other names: c.2134C>T, p.His712Tyr (NM_000267.4); short protein forms H712Y.
Identifiers: ClinVar variation 1786456 (VCV001786456.2), dbSNP rs2151425873, ClinGen allele CA398982331.

ClinVar aggregate classification (germline): Uncertain significance (1 of 4 stars; one submission).

Conditions:
Hereditary cancer-predisposing syndrome. Also called: Neoplastic Syndromes, Hereditary; Tumor predisposition; Hereditary Cancer Syndrome; Hereditary neoplastic syndrome. Identifiers: Orphanet 140162, MedGen C0027672, MeSH D009386, MONDO:0015356.
Cardiovascular phenotype. Identifiers: MedGen CN230736.

Submission:

Ambry Genetics
Classification: Uncertain significance for Cardiovascular phenotype; Hereditary cancer-predisposing syndrome. Last evaluated: 2017-12-07. Review status: criteria provided, single submitter. Criteria: Ambry Variant Classification Scheme 2023. Collection method: clinical testing. Allele origin: germline.
Comment: The p.H712Y variant (also known as c.2134C>T), located in coding exon 18 of the NF1 gene, results from a C to T substitution at nucleotide position 2134. The histidine at codon 712 is replaced by tyrosine, an amino acid with similar properties. This amino acid position is highly conserved in available vertebrate species. In addition, the in silico prediction for this alteration is inconclusive. Since supporting evidence is limited at this time, the clinical significance of this alteration remains unclear.